The following is an entry in ClinVar:

NM_017617.5(NOTCH1):c.1987G>T (p.Glu663Ter)

Gene: NOTCH1 (notch receptor 1; minus strand). Cytogenetic location: 9q34.3.
Variant type: single nucleotide variant.
Coding change: c.1987G>T on transcript NM_017617.5 (MANE Select); coding-DNA position 1987, G replaced by T.
Protein change: p.Glu663Ter; replaces glutamic acid 663 with a stop codon.
Molecular consequence: nonsense.
Genome position (GRCh38, 1-based): chr9:136,515,317, C>A on the plus strand (G>T on the coding strand, the complement: NOTCH1 is on the minus strand). VCF-style: chr9-136515317-C-A. GRCh37 (hg19) VCF-style: chr9-139409769-C-A.
Other names: short protein forms E663*.
Identifiers: ClinVar variation 4687945 (VCV004687945.1).
Genomic context (GRCh38, chr9:136,515,317, plus strand): 5'-GTGCAGTCAGCCCCCACGTGCAGGGCCGCTCACCTGTGTAGCCCGGCTCACAGGCACACT[C>A]GTAGCCATCGATCTTGTCCAGACAGGTGCCCGAGTCGCAGGGGCTGCTGGCACAGTCATC-3'

ClinVar aggregate classification (germline): Pathogenic (1 of 4 stars; one submission).

Conditions:
Adams-Oliver syndrome 5 (AOS5). Identifiers: Orphanet 974, MedGen C4014970, MONDO:0014459, OMIM 616028.

Submission:

Human Genetics Bochum, Ruhr University Bochum
Classification: Pathogenic for Adams-Oliver syndrome 5. Last evaluated: 2025-08-14. Review status: criteria provided, single submitter. Criteria: ACMG Guidelines, 2015. Collection method: clinical testing. Allele origin: germline. Affected: yes.
Comment: de novo; ACMG criteria used to clasify this variant: PVS1, PS2, PM2_SUP